The following is an entry in ClinVar:

NM_021999.5(ITM2B):c.35A>G (p.Gln12Arg)

Genes: ITM2B (integral membrane protein 2B; plus strand), LOC130009751 (ATAC-STARR-seq lymphoblastoid silent region 5331; plus strand). Cytogenetic location: 13q14.2.
Variant type: single nucleotide variant.
Coding change: c.35A>G on transcript NM_021999.5 (MANE Select); coding-DNA position 35, A replaced by G.
Protein change: p.Gln12Arg; replaces glutamine 12 with arginine.
Molecular consequence: missense variant.
Genome position (GRCh38, 1-based): chr13:48,233,395, A>G. VCF-style: chr13-48233395-A-G. GRCh37 (hg19) VCF-style: chr13-48807531-A-G.
Other names: short protein forms Q12R.
Identifiers: ClinVar variation 3606021 (VCV003606021.2).

ClinVar aggregate classification (germline): Uncertain significance (1 of 4 stars; one submission).

Submission:

Labcorp Genetics (formerly Invitae), Labcorp
Classification: Uncertain significance. Last evaluated: 2024-08-31. Review status: criteria provided, single submitter. Criteria: Invitae Variant Classification Sherloc (09022015). Collection method: clinical testing. Allele origin: germline.
Comment: This sequence change replaces glutamine, which is neutral and polar, with arginine, which is basic and polar, at codon 12 of the ITM2B protein (p.Gln12Arg). The frequency data for this variant in the population databases is considered unreliable, as metrics indicate poor data quality at this position in the gnomAD database. This variant has not been reported in the literature in individuals affected with ITM2B-related conditions. An algorithm developed to predict the effect of missense changes on protein structure and function (PolyPhen-2) suggests that this variant is likely to be tolerated. In summary, the available evidence is currently insufficient to determine the role of this variant in disease. Therefore, it has been classified as a Variant of Uncertain Significance.